The following is an entry in ClinVar:

ClinVar aggregate classification (germline): Benign. Review status: criteria provided, multiple submitters, no conflicts (2 of 4 stars). 4 submissions from 4 submitters: Benign (3). 1 of the submissions does not count toward it. Last evaluated 2021-05-04.

Conditions:
DNAH17-related disorder. Also called: DNAH17-related condition.

Allele frequency attached by ClinVar (database versions not stated): 1000 Genomes Project 30x 0.46252; 1000 Genomes Project 0.46645; TOPMed 0.48502; ESP Exome Variant Server 0.48516; gnomAD 0.48833 and 0.48968; ExAC 0.51737; gnomAD exomes 0.52134 and 0.54817.
gnomAD v4.1: 875,646 of 1,613,054 alleles (54%); highest among the groups gnomAD compares: Middle Eastern, 64%; 241,327 homozygotes.

Submissions (4):

GeneDx
Classification: Benign. Last evaluated: 2021-05-04. Review status: criteria provided, single submitter. Criteria: GeneDx Variant Classification Process June 2021. Collection method: clinical testing. Allele origin: germline. Affected: yes.

Laboratory for Molecular Medicine, Mass General Brigham Personalized Medicine
Classification: Benign. Last evaluated: 2016-03-29. Review status: criteria provided, single submitter. Criteria: LMM Criteria. Collection method: clinical testing. Allele origin: germline.
Comment: Variant identified in a genome or exome case(s) and assessed due to predicted null impact of the variant or pathogenic assertions in the literature or databases. Disclaimer: This variant has not undergone full assessment. The following are preliminary notes: Frequency

Breakthrough Genomics
Classification: Benign. Review status: criteria provided, single submitter. Criteria: ACMG Guidelines, 2015. Collection method: not provided. Allele origin: germline. Inheritance: Autosomal recessive inheritance. Affected: yes.

PreventionGenetics, part of Exact Sciences
Classification: Benign for DNAH17-related condition. Last evaluated: 2019-10-17. Review status: no assertion criteria provided. Collection method: clinical testing. Allele origin: germline. Not counted in ClinVar's aggregate classification.
Comment: This variant is classified as benign based on ACMG/AMP sequence variant interpretation guidelines (Richards et al. 2015 PMID: 25741868, with internal and published modifications).

NM_173628.4(DNAH17):c.10449C>G (p.Thr3483=)

Gene: DNAH17 (dynein axonemal heavy chain 17; minus strand). Cytogenetic location: 17q25.3.
Variant type: single nucleotide variant.
Coding change: c.10449C>G on transcript NM_173628.4 (MANE Select); coding-DNA position 10449, C replaced by G.
Protein change: p.Thr3483=; no amino-acid change (threonine 3483 retained).
Molecular consequence: synonymous variant.
Genome position (GRCh38, 1-based): chr17:78,453,423, G>C on the plus strand (C>G on the coding strand, the complement: DNAH17 is on the minus strand). VCF-style: chr17-78453423-G-C. GRCh37 (hg19) VCF-style: chr17-76449505-G-C.
Identifiers: ClinVar variation 402676 (VCV000402676.9), dbSNP rs2289751, ClinGen allele CA8800837.